The following is an entry in ClinVar:

ClinVar aggregate classification (germline): Conflicting classifications of pathogenicity. Review status: criteria provided, conflicting classifications (1 of 4 stars). 5 submissions from 5 submitters: Uncertain significance (3); Likely benign (1). 1 of the submissions does not count toward it. Last evaluated 2026-02-03.

Conditions:
Curry-Hall syndrome (WAD). Also called: WEYERS ACRODENTAL DYSOSTOSIS. Identifiers: Orphanet 952, MedGen C0457013, MONDO:0008673, OMIM 193530.
Ellis-van Creveld syndrome (EVC). Also called: Chondroectodermal dysplasia; MESOECTODERMAL DYSPLASIA. Identifiers: Orphanet 289, MedGen C0013903, MONDO:0009162, OMIM 225500.

Allele frequency attached by ClinVar (database versions not stated): gnomAD exomes 0.00013; ExAC 0.00018; gnomAD 0.00041; TOPMed 0.00055; 1000 Genomes Project 30x 0.00078; ESP Exome Variant Server 0.00085; 1000 Genomes Project 0.00100.
gnomAD v4.1: 148 of 1,612,088 alleles (0.0092%); highest among the groups gnomAD compares: African/African-American, 0.14%; no homozygotes.

Submissions (5):

Women's Health and Genetics/Laboratory Corporation of America, LabCorp
Classification: Uncertain significance. Last evaluated: 2026-02-03. Review status: criteria provided, single submitter. Criteria: LabCorp Variant Classification Summary - May 2015. Collection method: clinical testing. Allele origin: germline.
Comment: Variant summary: EVC c.1892C>T (p.Thr631Met) results in a non-conservative amino acid change in the encoded protein sequence. Algorithms developed to predict the effect of missense changes on protein structure and function are either unavailable or do not agree on the potential impact of this missense change. The variant allele was found at a frequency of 0.00013 in 246276 control chromosomes. This frequency is not significantly higher than estimated for disease-causing variants in EVC, allowing no conclusion about variant significance. To our knowledge, no occurrence of c.1892C>T in individuals affected with EVC-related conditions and no experimental evidence demonstrating its impact on protein function have been reported. ClinVar contains an entry for this variant (Variation ID: 283124). Based on the evidence outlined above, the variant was classified as uncertain significance.

Labcorp Genetics (formerly Invitae), Labcorp
Classification: Likely benign for Curry-Hall syndrome; Ellis-van Creveld syndrome. Last evaluated: 2026-01-28. Review status: criteria provided, single submitter. Criteria: Invitae Variant Classification Sherloc (09022015). Collection method: clinical testing. Allele origin: germline.

Fulgent Genetics
Classification: Uncertain significance for Curry-Hall syndrome; Ellis-van Creveld syndrome. Last evaluated: 2024-01-19. Review status: criteria provided, single submitter. Criteria: ACMG Guidelines, 2015. Collection method: clinical testing. Allele origin: germline.

Eurofins Ntd Llc (ga)
Classification: Uncertain significance. Last evaluated: 2015-09-28. Review status: criteria provided, single submitter. Criteria: EGL Classification Definitions 2015. Collection method: clinical testing. Allele origin: germline. Observed: 1 variant allele, 1 heterozygote.

Natera, Inc.
Classification: Uncertain significance for Ellis-van Creveld syndrome. Last evaluated: 2019-10-28. Review status: no assertion criteria provided. Collection method: clinical testing. Allele origin: germline. Not counted in ClinVar's aggregate classification.

NM_153717.3(EVC):c.1892C>T (p.Thr631Met)

Gene: EVC (EvC ciliary complex subunit 1; plus strand). Cytogenetic location: 4p16.2.
Variant type: single nucleotide variant.
Coding change: c.1892C>T on transcript NM_153717.3 (MANE Select); coding-DNA position 1892, C replaced by T.
Protein change: p.Thr631Met; replaces threonine 631 with methionine.
Molecular consequence: missense variant.
Genome position (GRCh38, 1-based): chr4:5,797,027, C>T. VCF-style: chr4-5797027-C-T. GRCh37 (hg19) VCF-style: chr4-5798754-C-T.
Other names: c.1892C>T, p.Thr631Met (NM_001306090.2); short protein forms T631M.
Identifiers: ClinVar variation 283124 (VCV000283124.13), dbSNP rs139481521, ClinGen allele CA2836311.